The following is an entry in ClinVar:

NM_001128228.3(TPRN):c.763G>A (p.Gly255Arg)

Gene: TPRN (taperin; minus strand). Cytogenetic location: 9q34.3.
Variant type: single nucleotide variant.
Coding change: c.763G>A on transcript NM_001128228.3 (MANE Select); coding-DNA position 763, G replaced by A.
Protein change: p.Gly255Arg; replaces glycine 255 with arginine.
Molecular consequence: missense variant.
Genome position (GRCh38, 1-based): chr9:137,199,949, C>T on the plus strand (G>A on the coding strand, the complement: TPRN is on the minus strand). VCF-style: chr9-137199949-C-T. GRCh37 (hg19) VCF-style: chr9-140094401-C-T.
Other names: short protein forms G255R.
Identifiers: ClinVar variation 3903293 (VCV003903293.1).

ClinVar aggregate classification (germline): Uncertain significance (1 of 4 stars; one submission).

gnomAD v4.1: 1 of 1,485,306 alleles (0.000067%); highest among the groups gnomAD compares: African/African-American, 0.0014%; no homozygotes.

Submission:

GeneDx
Classification: Uncertain significance. Last evaluated: 2024-12-11. Review status: criteria provided, single submitter. Criteria: GeneDx Variant Classification Process June 2021. Collection method: clinical testing. Allele origin: germline. Affected: yes.
Comment: Not observed at significant frequency in large population cohorts (gnomAD); In silico analysis indicates that this missense variant does not alter protein structure/function; Has not been previously published as pathogenic or benign to our knowledge